The following is an entry in ClinVar:

NM_001382430.1(AKT1):c.190_234dup (p.Leu78_Gln79insLysThrGluArgProArgProAsnThrPheIleIleArgCysLeu)

Gene: AKT1 (AKT serine/threonine kinase 1; minus strand). Cytogenetic location: 14q32.33.
Variant type: Duplication.
Coding change: c.190_234dup on transcript NM_001382430.1 (MANE Select); coding-DNA positions 190 to 234, 45 bases duplicated.
Protein change: p.Leu78_Gln79insLysThrGluArgProArgProAsnThrPheIleIleArgCysLeu.
Genome position (GRCh38, 1-based): chr14:104,776,712-104,776,756, 45 bases duplicated; duplicating any 45 consecutive bases within chr14:104,776,712-104,776,758 gives the same sequence; the c. name uses the placement nearest the transcript's 3' end. GRCh37 (hg19): chr14:105,243,051-105,243,095.
Other names: c.190_234dup, p.Leu78_Gln79insLysThrGluArgProArgProAsnThrPheIleIleArgCysLeu (NM_001014431.2, NM_001014432.2, NM_001382431.1 and 3 more transcripts).
Identifiers: ClinVar variation 4530183 (VCV004530183.1).

ClinVar aggregate classification (somatic clinical impact): Tier I - Strong (1 of 4 stars; one submission).

Conditions:
Juvenile type testicular granulosa cell tumor. Identifiers: MedGen C1515285, MONDO:0003741, HP:0034380.

Submission:

Institute for Genomic Medicine (IGM) Clinical Laboratory, Nationwide Children's Hospital
Classification: Tier I - Strong for Juvenile type testicular granulosa cell tumor. Assertion type: diagnostic. Clinical significance: supports diagnosis. Last evaluated: 2025-02-17. Review status: criteria provided, single submitter. Criteria: AMP/ASCO/CAP Guidelines, 2017. Collection method: clinical testing. Allele origin: somatic. Affected: yes.
Comment: Variant has Tier I (strong) clinical significance as a diagnostic inclusion criterion in juvenile type testicular granulosa cell tumor, based on the following evidence: 1) Appears in one or more well-established professional guidelines (e.g., World Health Organization [WHO]; National Comprehensive Cancer Network [NCCN]) as providing diagnostic, prognostic, or therapeutic information. 2) Diagnostic for a specific tumor type/classification based on well-powered studies with expert-level consensus (Evidence Level B; PMIDs: 26137586, 35031544, 26362254).

Literature cited by the submitters: PubMed 26137586; PubMed 35031544; PubMed 26362254.